The following is an entry in ClinVar:

NM_138691.3(TMC1):c.642+4A>C

Gene: TMC1 (transmembrane channel like 1; plus strand). Cytogenetic location: 9q21.13.
Variant type: single nucleotide variant.
Coding change: c.642+4A>C on transcript NM_138691.3 (MANE Select); 4 bases into the intron after coding-DNA position 642, A replaced by C.
Molecular consequence: intron variant.
Genome position (GRCh38, 1-based): chr9:72,751,960, A>C. VCF-style: chr9-72751960-A-C. GRCh37 (hg19) VCF-style: chr9-75366876-A-C.
Identifiers: ClinVar variation 1185609 (VCV001185609.2), dbSNP rs2118056443, ClinGen allele CA2573053188.

ClinVar aggregate classification (germline): Likely pathogenic. Review status: criteria provided, single submitter (1 of 4 stars). 2 submissions from 2 submitters: Likely pathogenic (1). 1 of the submissions does not count toward it. Last evaluated 2026-09-16.

Conditions:
Autosomal recessive nonsyndromic hearing loss 7. Also called: DEAFNESS, AUTOSOMAL RECESSIVE 11. Identifiers: Orphanet 90636, MedGen C1832978, MONDO:0010967, OMIM 600974.

Submissions (2):

Institute of Rare Diseases, West China Hospital, Sichuan University
Classification: Likely pathogenic for Autosomal recessive nonsyndromic hearing loss 7. Last evaluated: 2026-09-16. Review status: criteria provided, single submitter. Criteria: ClinGen HL ACMG Specifications v1. Collection method: research. Allele origin: germline. Affected: yes.
Comment: This non‑canonical donor splice‑site variant results in exon11 skipping validated by minigene assay (PS3). It is extremely rare in general‑population databases (PM2_Supporting). Identified in trans with another TMC1 pathogenic variant (PM3). In‑silico prediction supports splicing disruption (PP3). ACMG classification: Likely pathogenic(PS3,PM2_Supporting,PM3,PP3).

Deafness Molecular Diagnostic Center, Chinese PLA General Hospital
Classification: Uncertain significance for Autosomal recessive nonsyndromic hearing loss 7. Review status: no assertion criteria provided. Criteria: ACMG Guidelines, 2015. Collection method: case-control. Allele origin: paternal. Affected: yes. Not counted in ClinVar's aggregate classification.